The following is an entry in ClinVar:

ClinVar aggregate classification (germline): Uncertain significance (1 of 4 stars; one submission).

Submission:

Labcorp Genetics (formerly Invitae), Labcorp
Classification: Uncertain significance. Last evaluated: 2025-12-23. Review status: criteria provided, single submitter. Criteria: Invitae Variant Classification Sherloc (09022015). Collection method: clinical testing. Allele origin: germline.
Comment: This sequence change replaces aspartic acid, which is acidic and polar, with tyrosine, which is neutral and polar, at codon 41 of the MMP9 protein (p.Asp41Tyr). This variant is not present in population databases (gnomAD no frequency). This variant has not been reported in the literature in individuals affected with MMP9-related conditions. Invitae Evidence Modeling of protein sequence and biophysical properties (such as structural, functional, and spatial information, amino acid conservation, physicochemical variation, residue mobility, and thermodynamic stability) has been performed for this missense variant. However, the output from this modeling did not meet the statistical confidence thresholds required to predict the impact of this variant on MMP9 protein function. In summary, the available evidence is currently insufficient to determine the role of this variant in disease. Therefore, it has been classified as a Variant of Uncertain Significance.

NM_004994.3(MMP9):c.121G>T (p.Asp41Tyr)

Gene: MMP9 (matrix metallopeptidase 9; plus strand). Cytogenetic location: 20q13.12.
Variant type: single nucleotide variant.
Coding change: c.121G>T on transcript NM_004994.3 (MANE Select); coding-DNA position 121, G replaced by T.
Protein change: p.Asp41Tyr; replaces aspartic acid 41 with tyrosine.
Molecular consequence: missense variant.
Genome position (GRCh38, 1-based): chr20:46,009,047, G>T. VCF-style: chr20-46009047-G-T. GRCh37 (hg19) VCF-style: chr20-44637686-G-T.
Other names: short protein forms D41Y.
Identifiers: ClinVar variation 4767713 (VCV004767713.1).
Genomic context (GRCh38, chr20:46,009,047, plus strand): 5'-CCCAGACAGCGCCAGTCCACCCTTGTGCTCTTCCCTGGAGACCTGAGAACCAATCTCACC[G>T]ACAGGCAGCTGGCAGAGGTGGGCAAACACCTAGTCTAGAGTTGGGGAGGGCTGTCCGTGA-3'
Protein context (NP_004985.2, residues 31-51): FPGDLRTNLT[Asp41Tyr]RQLAEEYLYR